The following is an entry in ClinVar:

ClinVar aggregate classification (germline): Conflicting classifications of pathogenicity. Review status: criteria provided, conflicting classifications (1 of 4 stars). 4 submissions from 4 submitters: Uncertain significance (3); Likely benign (1). Last evaluated 2026-01-25.

Conditions:
Hereditary cancer-predisposing syndrome. Also called: Neoplastic Syndromes, Hereditary; Tumor predisposition; Hereditary Cancer Syndrome; Hereditary neoplastic syndrome. Identifiers: Orphanet 140162, MedGen C0027672, MeSH D009386, MONDO:0015356.
Hereditary breast ovarian cancer syndrome. Also called: Hereditary breast and ovarian cancer; Hereditary breast and/or ovarian cancer syndrome; BRCA1- and BRCA2-Associated Hereditary Breast and Ovarian Cancer; Hereditary breast and ovarian cancer syndrome (HBOC); Hereditary breast and ovarian cancer syndrome; Breast and ovarian cancer. Identifiers: Orphanet 145, MedGen C0677776, MeSH D061325, MONDO:0003582. Disease mechanism: loss of function.

gnomAD v4.1: 1 of 1,610,942 alleles (0.000062%); no homozygotes.

Submissions (4):

Labcorp Genetics (formerly Invitae), Labcorp
Classification: Uncertain significance for Hereditary breast ovarian cancer syndrome. Last evaluated: 2026-01-25. Review status: criteria provided, single submitter. Criteria: Invitae Variant Classification Sherloc (09022015). Collection method: clinical testing. Allele origin: germline.
Comment: This sequence change replaces phenylalanine, which is neutral and non-polar, with leucine, which is neutral and non-polar, at codon 1372 of the BRCA2 protein (p.Phe1372Leu). This variant is not present in population databases (gnomAD no frequency). This variant has not been reported in the literature in individuals affected with BRCA2-related conditions. ClinVar contains an entry for this variant (Variation ID: 187108). Invitae Evidence Modeling of protein sequence and biophysical properties (such as structural, functional, and spatial information, amino acid conservation, physicochemical variation, residue mobility, and thermodynamic stability) indicates that this missense variant is not expected to disrupt BRCA2 protein function with a negative predictive value of 95%. In summary, the available evidence is currently insufficient to determine the role of this variant in disease. Therefore, it has been classified as a Variant of Uncertain Significance.

University of Washington Department of Laboratory Medicine, University of Washington
Classification: Likely benign for Hereditary cancer-predisposing syndrome. Last evaluated: 2023-03-23. Review status: criteria provided, single submitter. Criteria: Dines et al. (Genet Med. 2020). Collection method: curation. Allele origin: germline.
Comment: Missense variant in a coldspot region where missense variants are very unlikely to be pathogenic (PMID:31911673).

BRCA2 exon 11 coldspot. Reclassification based on statistical prior probability.

Color Diagnostics, LLC DBA Color Health
Classification: Uncertain significance for Hereditary cancer-predisposing syndrome. Last evaluated: 2019-06-08. Review status: criteria provided, single submitter. Criteria: ACMG Guidelines, 2015. Collection method: clinical testing. Allele origin: germline.

Ambry Genetics
Classification: Uncertain significance for Hereditary cancer-predisposing syndrome. Last evaluated: 2019-03-19. Review status: criteria provided, single submitter. Criteria: Ambry Variant Classification Scheme 2023. Collection method: clinical testing. Allele origin: germline.
Comment: The p.F1372L variant (also known as c.4116T>G), located in coding exon 10 of the BRCA2 gene, results from a T to G substitution at nucleotide position 4116. The phenylalanine at codon 1372 is replaced by leucine, an amino acid with highly similar properties. This amino acid position is not well conserved in available vertebrate species. In addition, this alteration is predicted to be tolerated by in silico analysis. Since supporting evidence is limited at this time, the clinical significance of this alteration remains unclear.

NM_000059.4(BRCA2):c.4116T>G (p.Phe1372Leu)

Gene: BRCA2 (BRCA2 DNA repair associated; plus strand). Cytogenetic location: 13q13.1.
Variant type: single nucleotide variant.
Coding change: c.4116T>G on transcript NM_000059.4 (MANE Select); coding-DNA position 4116, T replaced by G.
Protein change: p.Phe1372Leu; replaces phenylalanine 1372 with leucine.
Molecular consequence: missense variant.
Genome position (GRCh38, 1-based): chr13:32,338,471, T>G. VCF-style: chr13-32338471-T-G. GRCh37 (hg19) VCF-style: chr13-32912608-T-G.
Other names: short protein forms F1372L.
Identifiers: ClinVar variation 187108 (VCV000187108.11), dbSNP rs786203478, ClinGen allele CA019554.
Genomic context (GRCh38, chr13:32,338,471, plus strand): 5'-TGAAACGGACTTGCTATTTACTGATCAGCACAACATATGTCTTAAATTATCTGGCCAGTT[T>G]ATGAAGGAGGGAAACACTCAGATTAAAGAAGATTTGTCAGATTTAACTTTTTTGGAAGTT-3'
Protein context (NP_000050.3, residues 1362-1382): HNICLKLSGQ[Phe1372Leu]MKEGNTQIKE